The following is an entry in ClinVar:

NM_177438.3(DICER1):c.499T>A (p.Ser167Thr)

Gene: DICER1 (dicer 1, ribonuclease III; minus strand). Cytogenetic location: 14q32.13.
Variant type: single nucleotide variant.
Coding change: c.499T>A on transcript NM_177438.3 (MANE Select); coding-DNA position 499, T replaced by A.
Protein change: p.Ser167Thr; replaces serine 167 with threonine.
Molecular consequence: missense variant. On other transcripts: non-coding transcript variant (6), intron variant (1), 5 prime UTR variant (1).
Genome position (GRCh38, 1-based): chr14:95,130,132, A>T on the plus strand (T>A on the coding strand, the complement: DICER1 is on the minus strand). VCF-style: chr14-95130132-A-T. GRCh37 (hg19) VCF-style: chr14-95596469-A-T.
Other names: c.94T>A, p.Ser32Thr (NM_001395698.1, NM_001395687.1, NM_001395688.1 and 3 more transcripts); c.499T>A, p.Ser167Thr (NM_001395699.1, NM_001395700.1, NM_030621.4 and 14 more transcripts); c.-20-49T>A (NM_001395691.1); c.217T>A, p.Ser73Thr (NM_001395686.1); c.-1070T>A (NM_001395697.1); short protein forms S167T, S32T, S73T.
Identifiers: ClinVar variation 4869752 (VCV004869752.1).
Genomic context (GRCh38, chr14:95,130,132, plus strand): 5'-GATAGGGGTGGTCTAGGATTGCAAGATGACACTCATCAAACACCAAAAGGTTAATGTCTG[A>T]CAGTGATAAGTAACCATTTTTCAAAACATTCAAGGCGACATAGCAAGTCATAATGAGAAC-3'
Protein context (NP_803187.1, residues 157-177): NVLKNGYLSL[Ser167Thr]DINLLVFDEC

ClinVar aggregate classification (germline): Uncertain significance (1 of 4 stars; one submission).

Conditions:
Hereditary cancer-predisposing syndrome. Also called: Neoplastic Syndromes, Hereditary; Tumor predisposition; Hereditary Cancer Syndrome; Hereditary neoplastic syndrome. Identifiers: Orphanet 140162, MedGen C0027672, MeSH D009386, MONDO:0015356.

Submission:

Ambry Genetics
Classification: Uncertain significance for Hereditary cancer-predisposing syndrome. Last evaluated: 2026-03-30. Review status: criteria provided, single submitter. Criteria: Ambry Variant Classification Scheme 2023. Collection method: clinical testing. Allele origin: germline.
Comment: The p.S167T variant (also known as c.499T>A), located in coding exon 4 of the DICER1 gene, results from a T to A substitution at nucleotide position 499. The serine at codon 167 is replaced by threonine, an amino acid with similar properties. This amino acid position is conserved. In addition, this alteration is predicted to be tolerated by in silico analysis. Based on the available evidence, the clinical significance of this variant remains unclear.